The following is an entry in ClinVar:

NM_001134363.3(RBM20):c.1804C>A (p.Pro602Thr)

Gene: RBM20 (RNA binding motif protein 20; plus strand). Cytogenetic location: 10q25.2.
Variant type: single nucleotide variant.
Coding change: c.1804C>A on transcript NM_001134363.3 (MANE Select); coding-DNA position 1804, C replaced by A.
Protein change: p.Pro602Thr; replaces proline 602 with threonine.
Molecular consequence: missense variant.
Genome position (GRCh38, 1-based): chr10:110,810,386, C>A. VCF-style: chr10-110810386-C-A. GRCh37 (hg19) VCF-style: chr10-112570144-C-A.
Other names: c.1804C>A (LRG_382t1); short protein forms P602T.
Identifiers: ClinVar variation 392346 (VCV000392346.2), dbSNP rs1057524451, ClinGen allele CA16605973.

ClinVar aggregate classification (germline): Uncertain significance (1 of 4 stars; one submission).

Submission:

GeneDx
Classification: Uncertain significance. Last evaluated: 2017-01-05. Review status: criteria provided, single submitter. Criteria: GeneDx Variant Classification (06012015). Collection method: clinical testing. Allele origin: germline. Affected: yes.
Comment: The P602T variant has not been published as a pathogenic variant, nor has it been reported as a benign variant to our knowledge. This variant was not observed in approximately 2,300 individuals of European and African American ancestry in the NHLBI Exome Sequencing Project, indicating it is not a common benign variant in these populations. The P602T variant is a non-conservative amino acid substitution, which is likely to impact secondary protein structure as these residues differ in polarity, charge, size and/or other properties. This substitution occurs at a position that is conserved across species and in silico analysis predicts this variant is probably damaging to the protein structure/function. However, this variant lacks observation in a significant number of affected individuals, segregation data, and functional evidence, which would further clarify its pathogenicity.